The following is an entry in ClinVar:

NM_014714.4(IFT140):c.1535A>G (p.Lys512Arg)

Gene: IFT140 (intraflagellar transport 140; minus strand). Cytogenetic location: 16p13.3.
Variant type: single nucleotide variant.
Coding change: c.1535A>G on transcript NM_014714.4 (MANE Select); coding-DNA position 1535, A replaced by G.
Protein change: p.Lys512Arg; replaces lysine 512 with arginine.
Molecular consequence: missense variant.
Genome position (GRCh38, 1-based): chr16:1,571,524, T>C on the plus strand (A>G on the coding strand, the complement: IFT140 is on the minus strand). VCF-style: chr16-1571524-T-C. GRCh37 (hg19) VCF-style: chr16-1621525-T-C.
Other names: short protein forms K512R.
Identifiers: ClinVar variation 1503121 (VCV001503121.6), dbSNP rs2141634655, ClinGen allele CA394209514.

ClinVar aggregate classification (germline): Uncertain significance (1 of 4 stars; one submission).

Conditions:
Saldino-Mainzer syndrome (SRTD9). Also called: Renal dysplasia, retinal pigmentary dystrophy, cerebellar ataxia and skeletal dysplasia; CONORENAL SYNDROME; SHORT-RIB THORACIC DYSPLASIA 9 WITHOUT POLYDACTYLY; short-rib thoracic dysplasia 9 with or without polydactyly. Identifiers: Orphanet 140969, MedGen C1849437, MONDO:0009964, OMIM 266920.

Submission:

Labcorp Genetics (formerly Invitae), Labcorp
Classification: Uncertain significance for Saldino-Mainzer syndrome. Last evaluated: 2023-08-24. Review status: criteria provided, single submitter. Criteria: Invitae Variant Classification Sherloc (09022015). Collection method: clinical testing. Allele origin: germline.
Comment: This sequence change replaces lysine, which is basic and polar, with arginine, which is basic and polar, at codon 512 of the IFT140 protein (p.Lys512Arg). This variant is not present in population databases (gnomAD no frequency). This variant has not been reported in the literature in individuals affected with IFT140-related conditions. ClinVar contains an entry for this variant (Variation ID: 1503121). Advanced modeling of protein sequence and biophysical properties (such as structural, functional, and spatial information, amino acid conservation, physicochemical variation, residue mobility, and thermodynamic stability) has been performed at Invitae for this missense variant, however the output from this modeling did not meet the statistical confidence thresholds required to predict the impact of this variant on IFT140 protein function. In summary, the available evidence is currently insufficient to determine the role of this variant in disease. Therefore, it has been classified as a Variant of Uncertain Significance.